The following is an entry in ClinVar:

NM_000245.4(MET):c.4081T>G (p.Cys1361Gly)

Gene: MET (MET proto-oncogene, receptor tyrosine kinase; plus strand). Cytogenetic location: 7q31.2.
Variant type: single nucleotide variant.
Coding change: c.4081T>G on transcript NM_000245.4 (MANE Select); coding-DNA position 4081, T replaced by G.
Protein change: p.Cys1361Gly; replaces cysteine 1361 with glycine.
Molecular consequence: missense variant.
Genome position (GRCh38, 1-based): chr7:116,796,032, T>G. VCF-style: chr7-116796032-T-G. GRCh37 (hg19) VCF-style: chr7-116436086-T-G.
Other names: c.4135T>G, p.Cys1379Gly (NM_001127500.3); c.2791T>G, p.Cys931Gly (NM_001324402.2); short protein forms C1379G, C931G, C1361G.
Identifiers: ClinVar variation 824616 (VCV000824616.4), dbSNP rs1584978510, ClinGen allele CA369118359.
Genomic context (GRCh38, chr7:116,796,032, plus strand): 5'-TTCTCTACTTTCATTGGGGAGCACTATGTCCATGTGAACGCTACTTATGTGAACGTAAAA[T>G]GTGTCGCTCCGTATCCTTCTCTGTTGTCATCAGAAGATAACGCTGATGATGAGGTGGACA-3'
Protein context (NP_000236.2, residues 1351-1371): HVNATYVNVK[Cys1361Gly]VAPYPSLLSS

ClinVar aggregate classification (germline): Uncertain significance (1 of 4 stars; one submission).

Conditions:
Hereditary cancer-predisposing syndrome. Also called: Neoplastic Syndromes, Hereditary; Tumor predisposition; Hereditary neoplastic syndrome; Hereditary Cancer Syndrome. Identifiers: Orphanet 140162, MedGen C0027672, MeSH D009386, MONDO:0015356.

Submission:

Ambry Genetics
Classification: Uncertain significance for Hereditary cancer-predisposing syndrome. Last evaluated: 2019-12-11. Review status: criteria provided, single submitter. Criteria: Ambry Variant Classification Scheme 2023. Collection method: clinical testing. Allele origin: germline.
Comment: The p.C1379G variant (also known as c.4135T>G), located in coding exon 20 of the MET gene, results from a T to G substitution at nucleotide position 4135. The cysteine at codon 1379 is replaced by glycine, an amino acid with highly dissimilar properties. This amino acid position is not well conserved in available vertebrate species. In addition, the in silico prediction for this alteration is inconclusive. Since supporting evidence is limited at this time, the clinical significance of this alteration remains unclear.